The following is an entry in ClinVar:

ClinVar aggregate classification (germline): Uncertain significance. Review status: criteria provided, multiple submitters, no conflicts (2 of 4 stars). 2 submissions from 2 submitters: Uncertain significance (2). Last evaluated 2025-08-13.

Conditions:
BBS10-related disorder. Also called: BBS10-related condition.

Submissions (2):

GeneDx
Classification: Uncertain significance. Last evaluated: 2025-08-13. Review status: criteria provided, single submitter. Criteria: GeneDx Variant Classification Process June 2021. Collection method: clinical testing. Allele origin: germline. Affected: yes.
Comment: Not observed at significant frequency in large population cohorts (gnomAD); In silico analysis suggests that this missense variant does not alter protein structure/function; This variant is associated with the following publications: (PMID: 29947050, 34716235, 37798099)

PreventionGenetics, part of Exact Sciences
Classification: Uncertain significance for BBS10-related condition. Last evaluated: 2025-07-07. Review status: criteria provided, single submitter. Criteria: ACMG Guidelines, 2015. Collection method: clinical testing. Allele origin: germline.
Comment: The BBS10 c.1790G>A variant is predicted to result in the amino acid substitution p.Gly597Asp. This variant has been reported in the homozygous state in analyses of fetal and postnatal exome sequencing data from those with congenital malformations or inherited retinal diseases (Daum et al. 2018. PubMed ID: 29947050; Supplemental Table 4, Best et al. 2022. PubMed ID: 34716235; Supplementary Table 1, Hayman et al. 2024. PubMed ID: 37798099). This variant has not been reported in a large population database (gnomAD), indicating this variant is rare. At this time, the clinical significance of this variant is uncertain due to the absence of conclusive functional and genetic evidence.

NM_024685.4(BBS10):c.1790G>A (p.Gly597Asp)

Gene: BBS10 (Bardet-Biedl syndrome 10; minus strand). Cytogenetic location: 12q21.2.
Variant type: single nucleotide variant.
Coding change: c.1790G>A on transcript NM_024685.4 (MANE Select); coding-DNA position 1790, G replaced by A.
Protein change: p.Gly597Asp; replaces glycine 597 with aspartic acid.
Molecular consequence: missense variant.
Genome position (GRCh38, 1-based): chr12:76,346,195, C>T on the plus strand (G>A on the coding strand, the complement: BBS10 is on the minus strand). VCF-style: chr12-76346195-C-T. GRCh37 (hg19) VCF-style: chr12-76739975-C-T.
Other names: short protein forms G597D.
Identifiers: ClinVar variation 4795412 (VCV004795412.2).